The following is an entry in ClinVar:

ClinVar aggregate classification (germline): Uncertain significance (1 of 4 stars; one submission).

Submission:

ISCA site 17
Classification: Uncertain significance. Last evaluated: 2011-08-12. Review status: criteria provided, single submitter. Criteria: Kaminsky et al. (Genet Med. 2011). Collection method: clinical testing. Allele origin: maternal. Affected: yes. Observed: 1 variant allele.
Comment: Copy number variation identified through the course of routine clinical cytogenomic testing in postnatal populations. Clinical assertions have been curated as described in Kaminsky et al. 2011.

GRCh38/hg38 3q29(chr3:195896948-198110178)x3

Genes: BDH1 (3-hydroxybutyrate dehydrogenase 1), CEP19 (centrosomal protein 19; minus strand), DLG1 (discs large MAGUK scaffold protein 1; minus strand), DLG1-AS1 (DLG1 antisense RNA 1; plus strand), DRC9 (dynein regulatory complex subunit 9; minus strand) and 153 more. Cytogenetic location: 3q29.
Variant type: copy number gain.
Change: copy number 3 (three copies instead of two) of chr3:195,896,948-198,110,178 (2.21 Mb, GRCh38 coordinates, 1-based), cytogenetic band 3q29.
Identifiers: ClinVar variation 59686 (VCV000059686.1).